The following is an entry in ClinVar:

ClinVar aggregate classification (germline): Uncertain significance (1 of 4 stars; one submission).

Submission:

Labcorp Genetics (formerly Invitae), Labcorp
Classification: Uncertain significance. Last evaluated: 2024-11-11. Review status: criteria provided, single submitter. Criteria: Invitae Variant Classification Sherloc (09022015). Collection method: clinical testing. Allele origin: germline.
Comment: This sequence change replaces glutamic acid, which is acidic and polar, with glycine, which is neutral and non-polar, at codon 4963 of the USH2A protein (p.Glu4963Gly). This variant is not present in population databases (gnomAD no frequency). This variant has not been reported in the literature in individuals affected with USH2A-related conditions. ClinVar contains an entry for this variant (Variation ID: 1496365). Invitae Evidence Modeling of protein sequence and biophysical properties (such as structural, functional, and spatial information, amino acid conservation, physicochemical variation, residue mobility, and thermodynamic stability) has been performed for this missense variant. However, the output from this modeling did not meet the statistical confidence thresholds required to predict the impact of this variant on USH2A protein function. Algorithms developed to predict the effect of sequence changes on RNA splicing suggest that this variant may create or strengthen a splice site. In summary, the available evidence is currently insufficient to determine the role of this variant in disease. Therefore, it has been classified as a Variant of Uncertain Significance.

NM_206933.4(USH2A):c.14888A>G (p.Glu4963Gly)

Gene: USH2A (usherin; minus strand). Cytogenetic location: 1q41.
Variant type: single nucleotide variant.
Coding change: c.14888A>G on transcript NM_206933.4 (MANE Select); coding-DNA position 14888, A replaced by G.
Protein change: p.Glu4963Gly; replaces glutamic acid 4963 with glycine.
Molecular consequence: missense variant.
Genome position (GRCh38, 1-based): chr1:215,640,638, T>C on the plus strand (A>G on the coding strand, the complement: USH2A is on the minus strand). VCF-style: chr1-215640638-T-C. GRCh37 (hg19) VCF-style: chr1-215813980-T-C.
Other names: short protein forms E4963G.
Identifiers: ClinVar variation 1496365 (VCV001496365.8), dbSNP rs2102636000, ClinGen allele CA344827895.